The following is an entry in ClinVar:

NM_000133.4(F9):c.796G>A (p.Ala266Thr)

Gene: F9 (coagulation factor IX; plus strand). Cytogenetic location: Xq27.1.
Variant type: single nucleotide variant.
Coding change: c.796G>A on transcript NM_000133.4 (MANE Select); coding-DNA position 796, G replaced by A.
Protein change: p.Ala266Thr; replaces alanine 266 with threonine.
Molecular consequence: missense variant.
Genome position (GRCh38, 1-based): chrX:139,560,813, G>A. VCF-style: chrX-139560813-G-A. GRCh37 (hg19) VCF-style: chrX-138642972-G-A.
Other names: c.682G>A, p.Ala228Thr (NM_001313913.2); short protein forms A228T, A266T.
Identifiers: ClinVar variation 2138740 (VCV002138740.4), dbSNP rs1162048721, ClinGen allele CA414443467.
Genomic context (GRCh38, chrX:139,560,813, plus strand): 5'-GGTAAAGTTGATGCATTCTGTGGAGGCTCTATCGTTAATGAAAAATGGATTGTAACTGCT[G>A]CCCACTGTGTTGAAACTGGTGTTAAAATTACAGTTGTCGCAGGTAAATACACAGAAAGAA-3'
Protein context (NP_000124.1, residues 256-276): IVNEKWIVTA[Ala266Thr]HCVETGVKIT

ClinVar aggregate classification (germline): Likely pathogenic (1 of 4 stars; one submission).

Conditions:
Thrombophilia, X-linked, due to factor 9 defect. Identifiers: MedGen C2749016, MONDO:0010432, OMIM 300807.
Hereditary factor IX deficiency disease (HEMB). Also called: Christmas Disease; F9 DEFICIENCY; FACTOR IX DEFICIENCY; PLASMA THROMBOPLASTIN COMPONENT DEFICIENCY; Hemophilia B. Identifiers: Orphanet 98879, MedGen C0008533, MeSH D002836, MONDO:0010604, OMIM 306900.

Submission:

Labcorp Genetics (formerly Invitae), Labcorp
Classification: Likely pathogenic for Thrombophilia, X-linked, due to factor 9 defect; Hereditary factor IX deficiency disease. Last evaluated: 2022-01-11. Review status: criteria provided, single submitter. Criteria: Invitae Variant Classification Sherloc (09022015). Collection method: clinical testing. Allele origin: germline.
Comment: In summary, the currently available evidence indicates that the variant is pathogenic, but additional data are needed to prove that conclusively. Therefore, this variant has been classified as Likely Pathogenic. This variant disrupts the p.Ala266 amino acid residue in F9. Other variant(s) that disrupt this residue have been observed in individuals with F9-related conditions (PMID: 19699296), which suggests that this may be a clinically significant amino acid residue. Advanced modeling of protein sequence and biophysical properties (such as structural, functional, and spatial information, amino acid conservation, physicochemical variation, residue mobility, and thermodynamic stability) performed at Invitae indicates that this missense variant is expected to disrupt F9 protein function. This variant is also known as 30111G>A (Ala220Thr). This missense change has been observed in individuals with hemophilia B (PMID: 15921378; Invitae). This variant is not present in population databases (gnomAD no frequency). This sequence change replaces alanine, which is neutral and non-polar, with threonine, which is neutral and polar, at codon 266 of the F9 protein (p.Ala266Thr).

Literature cited by the submitters: PubMed 19699296; PubMed 15921378.